The following is an entry in ClinVar:

ClinVar aggregate classification (germline): Uncertain significance. Review status: criteria provided, multiple submitters, no conflicts (2 of 4 stars). 2 submissions from 2 submitters: Uncertain significance (2). Last evaluated 2024-04-15.

Conditions:
Inborn genetic diseases. Identifiers: MedGen C0950123, MeSH D030342.

Submissions (2):

Ambry Genetics
Classification: Uncertain significance for Inborn genetic diseases. Last evaluated: 2024-04-15. Review status: criteria provided, single submitter. Criteria: Ambry Variant Classification Scheme 2023. Collection method: clinical testing. Allele origin: germline.

Labcorp Genetics (formerly Invitae), Labcorp
Classification: Uncertain significance. Last evaluated: 2022-09-22. Review status: criteria provided, single submitter. Criteria: Invitae Variant Classification Sherloc (09022015). Collection method: clinical testing. Allele origin: germline.
Comment: Advanced modeling of protein sequence and biophysical properties (such as structural, functional, and spatial information, amino acid conservation, physicochemical variation, residue mobility, and thermodynamic stability) performed at Invitae indicates that this missense variant is not expected to disrupt SOX17 protein function. This sequence change replaces serine, which is neutral and polar, with arginine, which is basic and polar, at codon 252 of the SOX17 protein (p.Ser252Arg). This variant is present in population databases (no rsID available, gnomAD 0.008%). This variant has not been reported in the literature in individuals affected with SOX17-related conditions. In summary, the available evidence is currently insufficient to determine the role of this variant in disease. Therefore, it has been classified as a Variant of Uncertain Significance.

NM_022454.4(SOX17):c.756C>G (p.Ser252Arg)

Gene: SOX17 (SRY-box transcription factor 17; plus strand). Cytogenetic location: 8q11.23.
Variant type: single nucleotide variant.
Coding change: c.756C>G on transcript NM_022454.4 (MANE Select); coding-DNA position 756, C replaced by G.
Protein change: p.Ser252Arg; replaces serine 252 with arginine.
Molecular consequence: missense variant.
Genome position (GRCh38, 1-based): chr8:54,459,506, C>G. VCF-style: chr8-54459506-C-G. GRCh37 (hg19) VCF-style: chr8-55372066-C-G.
Other names: c.756C>G (NM_022454.3); short protein forms S252R.
Identifiers: ClinVar variation 2056299 (VCV002056299.5), dbSNP rs748768438, ClinGen allele CA177527813.